The following is an entry in ClinVar:

NM_001368809.2(AMPD2):c.886_887del (p.Tyr295_Pro296insTer)

Gene: AMPD2 (adenosine monophosphate deaminase 2; plus strand). Cytogenetic location: 1p13.3.
Variant type: Deletion.
Coding change: c.886_887del on transcript NM_001368809.2 (MANE Select); coding-DNA positions 886 to 887, 2 bases deleted (CC; older notation c.886_887delCC).
Protein change: p.Tyr295_Pro296insTer.
Molecular consequence: nonsense.
Genome position (GRCh38, 1-based): chr1:109,627,454-109,627,455, CC deleted; deleting any 2 consecutive bases within chr1:109,627,453-109,627,455 gives the same sequence; the c. name uses the placement nearest the transcript's 3' end. VCF-style (leftmost placement, unchanged base first): chr1-109627452-ACC-A. GRCh37 (hg19) VCF-style: chr1-110170074-ACC-A.
Other names: c.694_695del, p.Tyr231_Pro232insTer (NM_001257361.2); c.823_824del, p.Tyr274_Pro275insTer (NM_001308170.1); c.886_887del, p.Tyr295_Pro296insTer (NM_004037.9); c.805_806del, p.Tyr268_Pro269insTer (NM_139156.4).
Identifiers: ClinVar variation 4787223 (VCV004787223.1).

ClinVar aggregate classification (germline): Pathogenic (1 of 4 stars; one submission).

Conditions:
Hereditary spastic paraplegia 63. Also called: Spastic paraplegia 63, autosomal recessive. Identifiers: Orphanet 401805, MedGen C3810295, MONDO:0014305, OMIM 615686.
Pontocerebellar hypoplasia type 9. Identifiers: Orphanet 369920, MedGen C4014354, MONDO:0014351, OMIM 615809.

Submission:

Labcorp Genetics (formerly Invitae), Labcorp
Classification: Pathogenic for Pontocerebellar hypoplasia type 9; Hereditary spastic paraplegia 63. Last evaluated: 2026-01-09. Review status: criteria provided, single submitter. Criteria: Invitae Variant Classification Sherloc (09022015). Collection method: clinical testing. Allele origin: germline.
Comment: This sequence change creates a premature translational stop signal (p.Pro350*) in the AMPD2 gene. It is expected to result in an absent or disrupted protein product. Loss-of-function variants in AMPD2 are known to be pathogenic (PMID: 23911318). This variant is not present in population databases (gnomAD no frequency). This variant has not been reported in the literature in individuals affected with AMPD2-related conditions. For these reasons, this variant has been classified as Pathogenic.

Literature cited by the submitters: PubMed 23911318.